The following is an entry in ClinVar:

NM_001267550.2(TTN):c.92-1G>A

Gene: TTN (titin; minus strand). Cytogenetic location: 2q31.2.
Variant type: single nucleotide variant.
Coding change: c.92-1G>A on transcript NM_001267550.2 (MANE Select); the canonical splice acceptor site of the intron before coding-DNA position 92, G replaced by A.
Molecular consequence: splice acceptor variant.
Genome position (GRCh38, 1-based): chr2:178,802,342, C>T on the plus strand (G>A on the coding strand, the complement: TTN is on the minus strand). VCF-style: chr2-178802342-C-T. GRCh37 (hg19) VCF-style: chr2-179667069-C-T.
Other names: c.92-1G>A (NM_003319.4, NM_133437.4, NM_133432.3 and 3 more transcripts).
Identifiers: ClinVar variation 2944272 (VCV002944272.3), dbSNP rs2534472226, ClinGen allele CA349531815.

ClinVar aggregate classification (germline): Likely pathogenic (1 of 4 stars; one submission).

Conditions:
Dilated cardiomyopathy 1G (CMD1G). Identifiers: Orphanet 154, MedGen C1858763, MONDO:0011400, OMIM 604145.
Autosomal recessive limb-girdle muscular dystrophy type 2J (LGMDR10). Also called: MUSCULAR DYSTROPHY, LIMB-GIRDLE, AUTOSOMAL RECESSIVE 10; Limb-girdle muscular dystrophy, type 2J. Identifiers: Orphanet 140922, MedGen C1837342, MONDO:0012127, OMIM 608807.

Submission:

Labcorp Genetics (formerly Invitae), Labcorp
Classification: Likely pathogenic for Dilated cardiomyopathy 1G; Autosomal recessive limb-girdle muscular dystrophy type 2J. Last evaluated: 2024-10-18. Review status: criteria provided, single submitter. Criteria: Invitae Variant Classification Sherloc (09022015). Collection method: clinical testing. Allele origin: germline.
Comment: This sequence change affects an acceptor splice site in intron 2 of the TTN gene. It is expected to disrupt RNA splicing and likely results in a truncated or disrupted TTN protein. This variant is not present in population databases (gnomAD no frequency). This variant has not been reported in the literature in individuals affected with TTN-related conditions. Algorithms developed to predict the effect of sequence changes on RNA splicing suggest that this variant may disrupt the consensus splice site. This variant is located in the Z band of TTN (PMID: 25589632). Truncating variants in this region have been reported in individuals affected with autosomal recessive centronuclear myopathy (PMID: 33449170, internal data). Truncating variants in this region have also been identified in individuals affected with autosomal dominant dilated cardiomyopathy and/or cardio-related conditions (PMID: 27869827, 32964742, internal data). In summary, the currently available evidence indicates that the variant is pathogenic, but additional data are needed to prove that conclusively. Therefore, this variant has been classified as Likely Pathogenic.

Literature cited by the submitters: PubMed 25589632; PubMed 33449170; PubMed 27869827; PubMed 32964742.